The following is an entry in ClinVar:

ClinVar aggregate classification (germline): Pathogenic. Review status: reviewed by expert panel (3 of 4 stars). 7 submissions from 7 submitters: Pathogenic (1). 6 of the submissions do not count toward it. Last evaluated 2016-09-08.

Conditions:
Hereditary cancer-predisposing syndrome. Also called: Tumor predisposition; Neoplastic Syndromes, Hereditary; Hereditary neoplastic syndrome; Hereditary Cancer Syndrome. Identifiers: Orphanet 140162, MedGen C0027672, MeSH D009386, MONDO:0015356.
Hereditary breast ovarian cancer syndrome. Also called: Hereditary breast and ovarian cancer; Hereditary breast and ovarian cancer syndrome (HBOC); Hereditary breast and/or ovarian cancer syndrome; Breast and ovarian cancer; Hereditary breast and ovarian cancer syndrome; BRCA1- and BRCA2-Associated Hereditary Breast and Ovarian Cancer. Identifiers: Orphanet 145, MedGen C0677776, MeSH D061325, MONDO:0003582. Disease mechanism: loss of function.
Breast-ovarian cancer, familial, susceptibility to, 2 (BROVCA2). Also called: BRCA2 Hereditary Breast and Ovarian Cancer. Identifiers: Orphanet 145, MedGen C2675520, MONDO:0012933, OMIM 612555. Disease mechanism: loss of function.

Submissions (7):

Evidence-based Network for the Interpretation of Germline Mutant Alleles (ENIGMA)
Classification: Pathogenic for Breast-ovarian cancer, familial, susceptibility to, 2. Last evaluated: 2016-09-08. Review status: reviewed by expert panel. Criteria: ENIGMA BRCA1/2 Classification Criteria (2015). Collection method: curation. Allele origin: germline.
Comment: Variant allele predicted to encode a truncated non-functional protein.

Ambry Genetics
Classification: Pathogenic for Hereditary cancer-predisposing syndrome. Last evaluated: 2025-03-13. Review status: criteria provided, single submitter. Criteria: Ambry Variant Classification Scheme 2023. Collection method: clinical testing. Allele origin: germline. Not counted in ClinVar's aggregate classification.
Comment: The c.4414_4415delAA pathogenic mutation, located in coding exon 10 of the BRCA2 gene, results from a deletion of two nucleotides at nucleotide positions 4414 to 4415, causing a translational frameshift with a predicted alternate stop codon (p.K1472Efs*9). This alteration is expected to result in loss of function by premature protein truncation or nonsense-mediated mRNA decay. As such, this alteration is interpreted as a disease-causing mutation.

Women's Health and Genetics/Laboratory Corporation of America, LabCorp
Classification: Pathogenic for Hereditary breast ovarian cancer syndrome. Last evaluated: 2024-11-05. Review status: criteria provided, single submitter. Criteria: LabCorp Variant Classification Summary - May 2015. Collection method: clinical testing. Allele origin: germline. Not counted in ClinVar's aggregate classification.
Comment: Variant summary: BRCA2 c.4414_4415delAA (p.Lys1472GlufsX9), also reported as "c.4642delAA STOP 1480", results in a premature termination codon, predicted to cause a truncation of the encoded protein or absence of the protein due to nonsense mediated decay, which are commonly known mechanisms for disease. The variant allele was found at a frequency of 4e-06 in 248690 control chromosomes. c.4414_4415delAA has been reported in the heterozygous state in the literature in at least 1 individual affected with Hereditary Breast And Ovarian Cancer Syndrome (example, Syamala_2007). The following publication has been ascertained in the context of this evaluation (PMID: 17503080). ClinVar contains an entry for this variant (Variation ID: 37901). Based on the evidence outlined above, the variant was classified as pathogenic.

Labcorp Genetics (formerly Invitae), Labcorp
Classification: Pathogenic for Hereditary breast ovarian cancer syndrome. Last evaluated: 2023-04-28. Review status: criteria provided, single submitter. Criteria: Invitae Variant Classification Sherloc (09022015). Collection method: clinical testing. Allele origin: germline. Not counted in ClinVar's aggregate classification.
Comment: For these reasons, this variant has been classified as Pathogenic. ClinVar contains an entry for this variant (Variation ID: 37901). This variant is also known as c.4642delAA, Stop 1480. This premature translational stop signal has been observed in individual(s) with breast cancer (PMID: 17503080). This variant is present in population databases (rs756892415, gnomAD 0.0009%). This sequence change creates a premature translational stop signal (p.Lys1472Glufs*9) in the BRCA2 gene. It is expected to result in an absent or disrupted protein product. Loss-of-function variants in BRCA2 are known to be pathogenic (PMID: 20104584).

Consortium of Investigators of Modifiers of BRCA1/2 (CIMBA), c/o University of Cambridge
Classification: Pathogenic for Breast-ovarian cancer, familial, susceptibility to, 2. Last evaluated: 2015-10-02. Review status: criteria provided, single submitter. Criteria: CIMBA Mutation Classification guidelines May 2016. Collection method: clinical testing. Allele origin: germline. Not counted in ClinVar's aggregate classification.

BRCAlab, Lund University
Classification: Pathogenic for Breast-ovarian cancer, familial, susceptibility to, 2. Last evaluated: 2020-03-02. Review status: no assertion criteria provided. Collection method: clinical testing. Allele origin: germline. Affected: yes. Not counted in ClinVar's aggregate classification.

Sharing Clinical Reports Project (SCRP)
Classification: Pathogenic for Breast-ovarian cancer, familial 2. Last evaluated: 2009-08-12. Review status: no assertion criteria provided. Collection method: clinical testing. Allele origin: germline. Not counted in ClinVar's aggregate classification.

Literature cited by the submitters: PubMed 17503080 (cited by Women's Health and Genetics/Laboratory Corporation of America, LabCorp and Labcorp Genetics (formerly Invitae), Labcorp); PubMed 20104584 (cited by Labcorp Genetics (formerly Invitae), Labcorp).

NM_000059.4(BRCA2):c.4414_4415del (p.Lys1472fs)

Gene: BRCA2 (BRCA2 DNA repair associated; plus strand). Cytogenetic location: 13q13.1.
Variant type: Deletion.
Coding change: c.4414_4415del on transcript NM_000059.4 (MANE Select); coding-DNA positions 4414 to 4415, 2 bases deleted (AA; older notation c.4414_4415delAA).
Protein change: p.Lys1472fs; shifts the reading frame from lysine 1472.
Molecular consequence: frameshift variant.
Genome position (GRCh38, 1-based): chr13:32,338,769-32,338,770, AA deleted; deleting any 2 consecutive bases within chr13:32,338,768-32,338,770 gives the same sequence; the c. name uses the placement nearest the transcript's 3' end. VCF-style (leftmost placement, unchanged base first): chr13-32338767-GAA-G. GRCh37 (hg19) VCF-style: chr13-32912904-GAA-G.
Other names: 4642delAA; c.4414_4415delAA (NM_000059.3).
Identifiers: ClinVar variation 37901 (VCV000037901.15), dbSNP rs397507332, ClinGen allele CA020140.
Genomic context (GRCh38, chr13:32,338,767, plus strand): 5'-ATCAGAAACCAGAAGAATTGCATAACTTTTCCTTAAATTCTGAATTACATTCTGACATAA[GAA>G]AGAACAAAATGGACATTCTAAGTTATGAGGAAACAGACATAGTTAAACACAAAATACTGA-3'